The following is an entry in ClinVar:

NM_016343.4(CENPF):c.1123C>T (p.Arg375Ter)

Gene: CENPF (centromere protein F; plus strand). Cytogenetic location: 1q41.
Variant type: single nucleotide variant.
Coding change: c.1123C>T on transcript NM_016343.4 (MANE Select); coding-DNA position 1123, C replaced by T.
Protein change: p.Arg375Ter; replaces arginine 375 with a stop codon.
Molecular consequence: nonsense.
Genome position (GRCh38, 1-based): chr1:214,629,100, C>T. VCF-style: chr1-214629100-C-T. GRCh37 (hg19) VCF-style: chr1-214802443-C-T.
Other names: short protein forms R375*.
Identifiers: ClinVar variation 4082405 (VCV004082405.2).
Genomic context (GRCh38, chr1:214,629,100, plus strand): 5'-TATTAGTATACTGCATTGGAACAAAAACTGAAAAAATTGACGGAAGATTTGAGTTGTCAG[C>T]GACAAAATGCAGAAAGTGCCAGATGTTCTCTGGAACAGAAAATTAAGGAAAAAGAAAAGG-3'

ClinVar aggregate classification (germline): Likely pathogenic (1 of 4 stars; one submission).

gnomAD v4.1: 4 of 1,609,046 alleles (0.00025%); highest among the groups gnomAD compares: South Asian, 0.0011%; no homozygotes.

Submission:

Genetic Services Laboratory, University of Chicago
Classification: Likely pathogenic. Last evaluated: 2024-07-18. Review status: criteria provided, single submitter. Criteria: ACMG Guidelines, 2015. Collection method: clinical testing. Allele origin: germline. Affected: yes.
Comment: DNA sequence analysis of the CENPF gene demonstrated a sequence change, c.1123C>T, which results in the creation of a premature stop codon at amino acid position 375, p.Arg375*. This sequence change is predicted to result in an abnormal transcript, which may be degraded, or may lead to the production of a truncated CENPF protein with potentially abnormal function. This sequence change has been described in the gnomAD database in one individual, which corresponds to an overall population frequency of 0.0004% (dbSNP rs1156943977). This particular sequence change has not previously been described in individuals with CENPF-related disorders; however, truncating variants downstream of this variant have been identified in individuals with Stromme syndrome and other CENPF-related phenotypes (PMID: 26820108, 35488810). Overall, the available evidence indicates that this variant is likely pathogenic.